The following is an entry in ClinVar:

ClinVar aggregate classification (germline): Benign (3 of 4 stars; one submission).

Conditions:
Breast-ovarian cancer, familial, susceptibility to, 2 (BROVCA2). Also called: BRCA2 Hereditary Breast and Ovarian Cancer. Identifiers: Orphanet 145, MedGen C2675520, MONDO:0012933, OMIM 612555. Disease mechanism: loss of function.

Allele frequency attached by ClinVar (database versions not stated): gnomAD 0.00737 and 0.00788; TOPMed 0.00808; 1000 Genomes Project 0.00899; 1000 Genomes Project 30x 0.00984.
gnomAD v4.1: 1,104 of 152,322 alleles (0.72%); highest among the groups gnomAD compares: African/African-American, 2.5%; 14 homozygotes.

Submission:

Evidence-based Network for the Interpretation of Germline Mutant Alleles (ENIGMA)
Classification: Benign for Breast-ovarian cancer, familial 2. Last evaluated: 2015-01-12. Review status: reviewed by expert panel. Criteria: ENIGMA BRCA1/2 Classification Criteria (2015). Collection method: curation. Allele origin: germline.
Comment: Class 1 not pathogenic based on frequency >1% in an outbred sampleset. Frequency 0.03252 (African), derived from 1000 genomes (2012-04-30).

NM_000059.4(BRCA2):c.9257-4185T>C

Gene: BRCA2 (BRCA2 DNA repair associated; plus strand). Cytogenetic location: 13q13.1.
Variant type: single nucleotide variant.
Coding change: c.9257-4185T>C on transcript NM_000059.4 (MANE Select); 4185 bases into the intron before coding-DNA position 9257, T replaced by C.
Molecular consequence: intron variant.
Genome position (GRCh38, 1-based): chr13:32,390,504, T>C. VCF-style: chr13-32390504-T-C. GRCh37 (hg19) VCF-style: chr13-32964641-T-C.
Other names: IVS 24-4185T>C.
Identifiers: ClinVar variation 209892 (VCV000209892.1), dbSNP rs116522678, ClinGen allele CA276860.
Genomic context (GRCh38, chr13:32,390,504, plus strand): 5'-AAAAAACTACTTTAAAACATAATAATAAAACAAACTGTACAAGTTCATATTCCTGATGCA[T>C]GATAACATTTAATGCTTCCTACCTTTAAAAATCTTCTTTGTTTTGCATAGATGCTCTTTT-3'